The following is an entry in ClinVar:

ClinVar aggregate classification (germline): Benign. Review status: criteria provided, multiple submitters, no conflicts (2 of 4 stars). 4 submissions from 4 submitters: Benign (3). 1 of the submissions does not count toward it. Last evaluated 2026-02-04.

Conditions:
TRPV6-related disorder. Also called: TRPV6-related condition.

Allele frequency attached by ClinVar (database versions not stated): ExAC 0.09868; 1000 Genomes Project 0.18810; gnomAD 0.19642; 1000 Genomes Project 30x 0.20050; TOPMed 0.21412; ESP Exome Variant Server 0.22474.
gnomAD v4.1: 150,629 of 1,613,646 alleles (9.3%); highest among the groups gnomAD compares: African/African-American, 52%; 14,861 homozygotes.

Submissions (4):

Labcorp Genetics (formerly Invitae), Labcorp
Classification: Benign. Last evaluated: 2026-02-04. Review status: criteria provided, single submitter. Criteria: Invitae Variant Classification Sherloc (09022015). Collection method: clinical testing. Allele origin: germline.

Mayo Clinic Laboratories, Mayo Clinic
Classification: Benign. Last evaluated: 2025-08-14. Review status: criteria provided, single submitter. Criteria: ACMG Guidelines, 2015. Collection method: clinical testing. Allele origin: germline. Observed: 7 variant alleles.

Blueprint Genetics
Classification: Benign. Last evaluated: 2024-11-27. Review status: criteria provided, single submitter. Criteria: ACMG Guidelines, 2015. Collection method: clinical testing. Allele origin: germline.

PreventionGenetics, part of Exact Sciences
Classification: Benign for TRPV6-related condition. Last evaluated: 2019-10-16. Review status: no assertion criteria provided. Collection method: clinical testing. Allele origin: germline. Not counted in ClinVar's aggregate classification.
Comment: This variant is classified as benign based on ACMG/AMP sequence variant interpretation guidelines (Richards et al. 2015 PMID: 25741868, with internal and published modifications).

NM_018646.6(TRPV6):c.1406+8T>C

Gene: TRPV6 (transient receptor potential cation channel subfamily V member 6; minus strand). Cytogenetic location: 7q34.
Variant type: single nucleotide variant.
Coding change: c.1406+8T>C on transcript NM_018646.6 (MANE Select); 8 bases into the intron after coding-DNA position 1406, T replaced by C.
Molecular consequence: intron variant.
Genome position (GRCh38, 1-based): chr7:142,874,896, A>G on the plus strand (T>C on the coding strand, the complement: TRPV6 is on the minus strand). VCF-style: chr7-142874896-A-G. GRCh37 (hg19) VCF-style: chr7-142572649-A-G.
Other names: p.?; c.1406+8T>C (NM_018646.5).
Identifiers: ClinVar variation 2786651 (VCV002786651.7), dbSNP rs4987668, ClinGen allele CA4532532.
Genomic context (GRCh38, chr7:142,874,896, plus strand): 5'-AGGAATCCAAGGAGTGGAACTGGAGCCCTGTTGAGGGAAGGGATGGGAGTGAGAGGAAGG[A>G]AACTCACATGAGGACATGGAATGGGCCCCCAAGGATGGTCTGTCCAAAGAAGCGAGTGAC-3'